The following is an entry in ClinVar:

NM_001165963.4(SCN1A):c.2808C>G (p.Asp936Glu)

Gene: SCN1A (sodium voltage-gated channel alpha subunit 1; minus strand). Cytogenetic location: 2q24.3.
Variant type: single nucleotide variant.
Coding change: c.2808C>G on transcript NM_001165963.4 (MANE Select); coding-DNA position 2808, C replaced by G.
Protein change: p.Asp936Glu; replaces aspartic acid 936 with glutamic acid.
Molecular consequence: missense variant. On other transcripts: non-coding transcript variant (1).
Genome position (GRCh38, 1-based): chr2:166,037,914, G>C on the plus strand (C>G on the coding strand, the complement: SCN1A is on the minus strand). VCF-style: chr2-166037914-G-C. GRCh37 (hg19) VCF-style: chr2-166894424-G-C.
Other names: c.2724C>G, p.Asp908Glu (NM_001165964.3, NM_001353957.2, NM_001353958.2); c.2808C>G, p.Asp936Glu (NM_001202435.3, NM_001353948.2); c.2775C>G, p.Asp925Glu (NM_001353949.2, NM_001353950.2, NM_001353951.2 and 2 more transcripts); c.2772C>G, p.Asp924Glu (NM_001353954.2, NM_001353955.2); c.2721C>G, p.Asp907Glu (NM_001353960.2); c.366C>G, p.Asp122Glu (NM_001353961.2); short protein forms D122E, D907E, D908E, D924E, D925E, D936E.
Identifiers: ClinVar variation 3255527 (VCV003255527.1).

ClinVar aggregate classification (germline): Likely pathogenic (1 of 4 stars; one submission).

Conditions:
Severe myoclonic epilepsy in infancy (DRVT). Also called: Dravet syndrome; Epileptic encephalopathy, early infantile, 6 (Dravet syndrome); Severe Myoclonic Epilepsy in Infancy (SMEI); SEVERE MYOCLONIC EPILEPSY OF INFANCY; DEVELOPMENTAL AND EPILEPTIC ENCEPHALOPATHY 6A. Identifiers: Orphanet 33069, MedGen C0751122, MONDO:0100135, OMIM 607208.

Submission:

Unidad de Genómica Garrahan, Hospital de Pediatría Garrahan
Classification: Likely pathogenic for Severe myoclonic epilepsy in infancy. Last evaluated: 2024-01-01. Review status: criteria provided, single submitter. Criteria: ACMG Guidelines, 2015. Collection method: clinical testing. Allele origin: germline. Affected: yes. Observed: 1 variant allele.
Comment: Heterozygous missense variant in SCN1A gene, predicted to result in a D936E change, located in the exon 18, involving the DII – pore loop, a well established functional domain of the protein (PM1), with no reported missense benign variants (PP2). The variant has extremely low frequency in gnomAD population databases (PM2). There are reports of patogenic variants resulting in a different aminoacid change in the same codon: chr2:166037916:C>A, chr2:166037915:T>G, chr2:166037916:C>G, chr2:166037915:T>C (PM5)(PMID:23485646). Multiple computational prediction tools support a deleteroius effect on the gene (PP3mod).